The following is an entry in ClinVar:

ClinVar aggregate classification (germline): Uncertain significance (1 of 4 stars; one submission).

Conditions:
Inborn genetic diseases. Identifiers: MedGen C0950123, MeSH D030342.

Submission:

Ambry Genetics
Classification: Uncertain significance for Inborn genetic diseases. Last evaluated: 2020-10-08. Review status: criteria provided, single submitter. Criteria: Ambry Variant Classification Scheme 2023. Collection method: clinical testing. Allele origin: germline.
Comment: The p.D123E variant (also known as c.369C>A), located in coding exon 5 of the PLEKHG5 gene, results from a C to A substitution at nucleotide position 369. The aspartic acid at codon 123 is replaced by glutamic acid, an amino acid with highly similar properties. This amino acid position is highly conserved in available vertebrate species. In addition, the in silico prediction for this alteration is inconclusive. Since supporting evidence is limited at this time, the clinical significance of this alteration remains unclear.

NM_020631.6(PLEKHG5):c.369C>A (p.Asp123Glu)

Gene: PLEKHG5 (pleckstrin homology and RhoGEF domain containing G5; minus strand). Cytogenetic location: 1p36.31.
Variant type: single nucleotide variant.
Coding change: c.369C>A on transcript NM_020631.6 (MANE Select); coding-DNA position 369, C replaced by A.
Protein change: p.Asp123Glu; replaces aspartic acid 123 with glutamic acid.
Molecular consequence: missense variant.
Genome position (GRCh38, 1-based): chr1:6,474,521, G>T on the plus strand (C>A on the coding strand, the complement: PLEKHG5 is on the minus strand). VCF-style: chr1-6474521-G-T. GRCh37 (hg19) VCF-style: chr1-6534581-G-T.
Other names: c.480C>A, p.Asp160Glu (NM_001042663.3, NM_001265592.2); c.369C>A, p.Asp123Glu (NM_001042664.2, NM_001042665.2, NM_001265594.3 and 1 more transcripts); c.576C>A, p.Asp192Glu (NM_001265593.2); short protein forms D160E, D123E, D192E.
Identifiers: ClinVar variation 1734025 (VCV001734025.2), dbSNP rs2523210685, ClinGen allele CA338139341.
Genomic context (GRCh38, chr1:6,474,521, plus strand): 5'-AAGGTAGTGTCCCCCGAACCTGTAGGCCTCGAAGGTGAGGGACAGGGGTGTGTTGGACTG[G>T]TCCAGGTAGATGTCCACTTTGCCCAGCGCAATGCCCTTCCTTTCAAATACAGGCAGCAGC-3'
Protein context (NP_065682.2, residues 113-133): IALGKVDIYL[Asp123Glu]QSNTPLSLTF